The following is an entry in ClinVar:

NM_004863.4(SPTLC2):c.1664C>T (p.Thr555Met)

Gene: SPTLC2 (serine palmitoyltransferase long chain base subunit 2; minus strand). Cytogenetic location: 14q24.3.
Variant type: single nucleotide variant.
Coding change: c.1664C>T on transcript NM_004863.4 (MANE Select); coding-DNA position 1664, C replaced by T.
Protein change: p.Thr555Met; replaces threonine 555 with methionine.
Molecular consequence: missense variant.
Genome position (GRCh38, 1-based): chr14:77,512,309, G>A on the plus strand (C>T on the coding strand, the complement: SPTLC2 is on the minus strand). VCF-style: chr14-77512309-G-A. GRCh37 (hg19) VCF-style: chr14-77978652-G-A.
Other names: p.Thr555Met; short protein forms T555M.
Identifiers: ClinVar variation 314664 (VCV000314664.57), dbSNP rs138652708, ClinGen allele CA7289104.

ClinVar aggregate classification (germline): Benign/Likely benign. Review status: criteria provided, multiple submitters, no conflicts (2 of 4 stars). 12 submissions from 12 submitters: Benign (7); Likely benign (3). 2 of the submissions do not count toward it. Last evaluated 2026-05-01.

Conditions:
Neuropathy, hereditary sensory and autonomic, type 1C. Also called: HSAN IC; HSN IC. Identifiers: Orphanet 36386, MedGen C3150896, MONDO:0013337, OMIM 613640.

Allele frequency attached by ClinVar (database versions not stated): 1000 Genomes Project 30x 0.00203; TOPMed 0.00238; 1000 Genomes Project 0.00260; ESP Exome Variant Server 0.00308; gnomAD 0.00433 and 0.00454; ExAC 0.00466; gnomAD exomes 0.00474 and 0.00493.
gnomAD v4.1: 7,560 of 1,614,134 alleles (0.47%); highest among the groups gnomAD compares: Non-Finnish European, 0.44%; 58 homozygotes.

Submissions (12):

CeGaT Center for Human Genetics Tuebingen
Classification: Likely benign. Last evaluated: 2026-05-01. Review status: criteria provided, single submitter. Criteria: CeGaT Center For Human Genetics Tuebingen Variant Classification Criteria Version 2. Collection method: clinical testing. Allele origin: germline. Affected: yes. Observed: 14 variant alleles.
Comment: SPTLC2: BS2

Labcorp Genetics (formerly Invitae), Labcorp
Classification: Benign for Neuropathy, hereditary sensory and autonomic, type 1C. Last evaluated: 2026-02-04. Review status: criteria provided, single submitter. Criteria: Invitae Variant Classification Sherloc (09022015). Collection method: clinical testing. Allele origin: germline.

ARUP Laboratories, Molecular Genetics and Genomics, ARUP Laboratories
Classification: Benign for Neuropathy, hereditary sensory and autonomic, type 1C. Last evaluated: 2025-02-13. Review status: criteria provided, single submitter. Criteria: ARUP Molecular Germline Variant Investigation Process 2024. Collection method: clinical testing. Allele origin: germline.

Fulgent Genetics
Classification: Benign for Neuropathy, hereditary sensory and autonomic, type 1C. Last evaluated: 2022-05-17. Review status: criteria provided, single submitter. Criteria: ACMG Guidelines, 2015. Collection method: clinical testing. Allele origin: unknown.

Mayo Clinic Laboratories, Mayo Clinic
Classification: Benign. Last evaluated: 2021-08-12. Review status: criteria provided, single submitter. Criteria: ACMG Guidelines, 2015. Collection method: clinical testing. Allele origin: germline. Observed: 11 variant alleles.

Athena Diagnostics
Classification: Benign. Last evaluated: 2019-04-15. Review status: criteria provided, single submitter. Criteria: Athena Diagnostics Criteria. Collection method: clinical testing. Allele origin: germline.

Illumina Laboratory Services, Illumina
Classification: Benign for Neuropathy, hereditary sensory and autonomic, type 1C. Last evaluated: 2018-01-13. Review status: criteria provided, single submitter. Criteria: ICSL Variant Classification Criteria 13 December 2019. Collection method: clinical testing. Allele origin: germline.
Comment: This variant was observed in the ICSL laboratory as part of a predisposition screen in an ostensibly healthy population. It had not been previously curated by ICSL or reported in the Human Gene Mutation Database (HGMD: prior to June 1st, 2018), and was therefore a candidate for classification through an automated scoring system. Utilizing variant allele frequency, disease prevalence and penetrance estimates, and inheritance mode, an automated score was calculated to assess if this variant is too frequent to cause the disease. Based on the score and internal cut-off values, a variant classified as benign is not then subjected to further curation. The score for this variant resulted in a classification of benign for this disease.

Center for Pediatric Genomic Medicine, Children's Mercy Hospital and Clinics
Classification: Likely benign. Last evaluated: 2017-06-26. Review status: criteria provided, single submitter. Criteria: ACMG Guidelines, 2015. Collection method: clinical testing. Allele origin: germline.

GeneDx
Classification: Benign. Last evaluated: 2015-03-03. Review status: criteria provided, single submitter. Criteria: GeneDx Variant Classification Process June 2021. Collection method: clinical testing. Allele origin: germline. Affected: yes.

Breakthrough Genomics
Classification: Likely benign. Review status: criteria provided, single submitter. Criteria: ACMG Guidelines, 2015. Collection method: not provided. Allele origin: germline. Inheritance: Autosomal dominant inheritance. Affected: yes.

Clinical Genetics, Academic Medical Center
Classification: Benign. Review status: no assertion criteria provided. Collection method: clinical testing. Allele origin: germline. Affected: yes. Study: VKGL Data-share Consensus. Not counted in ClinVar's aggregate classification.

Genome Diagnostics Laboratory, University Medical Center Utrecht
Classification: Likely benign. Review status: no assertion criteria provided. Collection method: clinical testing. Allele origin: germline. Affected: yes. Study: VKGL Data-share Consensus. Not counted in ClinVar's aggregate classification.